The following is an entry in ClinVar:

ClinVar aggregate classification (germline): Uncertain significance (1 of 4 stars; one submission).

Conditions:
Pancreatic adenocarcinoma. Identifiers: MedGen C0281361, MONDO:0006047, HP:0006725.

gnomAD v4.1: 1 of 1,537,238 alleles (0.000065%); highest among the groups gnomAD compares: Non-Finnish European, 0.000087%; no homozygotes.

Submission:

Labcorp Genetics (formerly Invitae), Labcorp
Classification: Uncertain significance for Pancreatic adenocarcinoma. Last evaluated: 2025-08-04. Review status: criteria provided, single submitter. Criteria: Invitae Variant Classification Sherloc (09022015). Collection method: clinical testing. Allele origin: germline.
Comment: This sequence change replaces aspartic acid, which is acidic and polar, with glycine, which is neutral and non-polar, at codon 642 of the PALLD protein (p.Asp642Gly). This variant is not present in population databases (gnomAD no frequency). This variant has not been reported in the literature in individuals affected with PALLD-related conditions. An algorithm developed to predict the effect of missense changes on protein structure and function (PolyPhen-2) suggests that this variant is likely to be tolerated. In summary, the available evidence is currently insufficient to determine the role of this variant in disease. Therefore, it has been classified as a Variant of Uncertain Significance.

NM_001166108.2(PALLD):c.*111A>G

Genes: CBR4 (carbonyl reductase 4; minus strand), PALLD (palladin, cytoskeletal associated protein; plus strand). Cytogenetic location: 4q32.3.
Variant type: single nucleotide variant.
Coding change: c.*111A>G on transcript NM_001166108.2 (MANE Select); 111 bases downstream of the stop codon, A replaced by G.
Molecular consequence: 3 prime UTR variant. On other transcripts: missense variant (4).
Genome position (GRCh38, 1-based): chr4:168,926,291, A>G. VCF-style: chr4-168926291-A-G. GRCh37 (hg19) VCF-style: chr4-169847442-A-G.
Other names: c.2240A>G, p.Asp747Gly (NM_001166109.2); c.1925A>G, p.Asp642Gly (NM_001166110.2); c.*111A>G (NM_001367567.1, NM_001367570.1, NM_016081.4); c.1316A>G, p.Asp439Gly (NM_001367568.1); c.1265A>G, p.Asp422Gly (NM_001367569.1); short protein forms D439G, D747G, D422G, D642G.
Identifiers: ClinVar variation 4705420 (VCV004705420.1).